The following is an entry in ClinVar:

NM_003060.4(SLC22A5):c.449del (p.Phe150fs)

Gene: SLC22A5 (solute carrier family 22 member 5; plus strand). Cytogenetic location: 5q31.1.
Variant type: Deletion.
Coding change: c.449del on transcript NM_003060.4 (MANE Select); coding-DNA position 449, one base deleted (T; older notation c.449delT).
Protein change: p.Phe150fs; shifts the reading frame from phenylalanine 150.
Molecular consequence: frameshift variant.
Genome position (GRCh38, 1-based): chr5:132,378,433, T deleted; the last of 2 consecutive T bases (chr5:132,378,432-132,378,433); deleting either gives the same sequence. VCF-style (leftmost placement, unchanged base first): chr5-132378431-CT-C. GRCh37 (hg19) VCF-style: chr5-131714123-CT-C.
Other names: c.521del, p.Phe174fs (NM_001308122.2); short protein forms F150fs, F174fs.
Identifiers: ClinVar variation 1453057 (VCV001453057.6), dbSNP rs2126775742, ClinGen allele CA2573138872.

ClinVar aggregate classification (germline): Pathogenic (1 of 4 stars; one submission).

Conditions:
Renal carnitine transport defect (CDSP). Also called: Carnitine transporter deficiency; Carnitine Deficiency, Systemic; Systemic primary carnitine deficiency disease; CARNITINE DEFICIENCY, SYSTEMIC, DUE TO DEFECT IN RENAL REABSORPTION OF CARNITINE; CARNITINE TRANSPORTER, PLASMA-MEMBRANE, DEFICIENCY OF; CARNITINE UPTAKE DEFECT. Identifiers: Orphanet 158, MedGen C0342788, MONDO:0008919, OMIM 212140.

Submission:

Labcorp Genetics (formerly Invitae), Labcorp
Classification: Pathogenic for Renal carnitine transport defect. Last evaluated: 2021-05-19. Review status: criteria provided, single submitter. Criteria: Invitae Variant Classification Sherloc (09022015). Collection method: clinical testing. Allele origin: germline.
Comment: For these reasons, this variant has been classified as Pathogenic. This variant has not been reported in the literature in individuals with SLC22A5-related conditions. This variant is not present in population databases (ExAC no frequency). This sequence change creates a premature translational stop signal (p.Phe150Serfs*26) in the SLC22A5 gene. It is expected to result in an absent or disrupted protein product. Loss-of-function variants in SLC22A5 are known to be pathogenic (PMID: 9916797).

Literature cited by the submitters: PubMed 9916797.